The following is an entry in ClinVar:

ClinVar aggregate classification (germline): Uncertain significance (1 of 4 stars; one submission).

Conditions:
Inborn genetic diseases. Identifiers: MedGen C0950123, MeSH D030342.

gnomAD v4.1: 1 of 1,614,156 alleles (0.000062%); highest among the groups gnomAD compares: Non-Finnish European, 0.000085%; no homozygotes.

Submission:

Ambry Genetics
Classification: Uncertain significance for Inborn genetic diseases. Last evaluated: 2024-05-17. Review status: criteria provided, single submitter. Criteria: Ambry Variant Classification Scheme 2023. Collection method: clinical testing. Allele origin: germline.
Comment: The p.Q47E variant (also known as c.139C>G), located in coding exon 2 of the BUB1B gene, results from a C to G substitution at nucleotide position 139. The glutamine at codon 47 is replaced by glutamic acid, an amino acid with highly similar properties. This amino acid position is conserved. In addition, this alteration is predicted to be tolerated by in silico analysis. Based on the available evidence, the clinical significance of this variant remains unclear.

NM_001211.6(BUB1B):c.139C>G (p.Gln47Glu)

Gene: BUB1B (BUB1 mitotic checkpoint serine/threonine kinase B; plus strand). Cytogenetic location: 15q15.1.
Variant type: single nucleotide variant.
Coding change: c.139C>G on transcript NM_001211.6 (MANE Select); coding-DNA position 139, C replaced by G.
Protein change: p.Gln47Glu; replaces glutamine 47 with glutamic acid.
Molecular consequence: missense variant.
Genome position (GRCh38, 1-based): chr15:40,165,156, C>G. VCF-style: chr15-40165156-C-G. GRCh37 (hg19) VCF-style: chr15-40457357-C-G.
Other names: short protein forms Q47E.
Identifiers: ClinVar variation 3262189 (VCV003262189.1).